The following is an entry in ClinVar:

ClinVar aggregate classification (germline): Likely benign. Review status: criteria provided, multiple submitters, no conflicts (2 of 4 stars). 3 submissions from 3 submitters: Likely benign (3). Last evaluated 2025-12-03.

Conditions:
Hereditary cancer-predisposing syndrome. Also called: Neoplastic Syndromes, Hereditary; Hereditary neoplastic syndrome; Tumor predisposition; Hereditary Cancer Syndrome. Identifiers: Orphanet 140162, MedGen C0027672, MeSH D009386, MONDO:0015356.
Juvenile polyposis syndrome (JPS). Identifiers: Orphanet 2929, MedGen C0345893, MONDO:0017380, OMIM 174900.
Juvenile polyposis/hereditary hemorrhagic telangiectasia syndrome (JPHT). Also called: POLYPOSIS, GENERALIZED JUVENILE, WITH PULMONARY ARTERIOVENOUS MALFORMATION; TELANGIECTASIA, HEREDITARY HEMORRHAGIC, WITH JUVENILE POLYPOSIS COLI; Juvenile Polyposis Syndrome / Hereditary Hemorrhagic Telangiectasia (JPS/HHT); JP/HHT SYNDROME; JUVENILE POLYPOSIS WITH HEREDITARY HEMORRHAGIC TELANGIECTASIA. Identifiers: Orphanet 2929, MedGen C1832942, MONDO:0008278, OMIM 175050.

gnomAD v4.1: 12 of 1,614,040 alleles (0.00074%); highest among the groups gnomAD compares: South Asian, 0.011%; no homozygotes.

Submissions (3):

Labcorp Genetics (formerly Invitae), Labcorp
Classification: Likely benign for Juvenile polyposis syndrome. Last evaluated: 2025-12-03. Review status: criteria provided, single submitter. Criteria: Invitae Variant Classification Sherloc (09022015). Collection method: clinical testing. Allele origin: germline.

Myriad Genetics, Inc.
Classification: Likely benign for Juvenile polyposis/hereditary hemorrhagic telangiectasia syndrome. Last evaluated: 2025-03-19. Review status: criteria provided, single submitter. Criteria: Myriad Autosomal Dominant, Autosomal Recessive and X-Linked Classification Criteria (2023). Collection method: clinical testing. Allele origin: unknown.
Comment: This variant is considered likely benign. This variant is intronic and is not expected to impact mRNA splicing.

Color Diagnostics, LLC DBA Color Health
Classification: Likely benign for Hereditary cancer-predisposing syndrome. Last evaluated: 2019-06-26. Review status: criteria provided, single submitter. Criteria: ACMG Guidelines, 2015. Collection method: clinical testing. Allele origin: germline.

NM_005359.6(SMAD4):c.668-6C>T

Gene: SMAD4 (SMAD family member 4; plus strand). Cytogenetic location: 18q21.2.
Variant type: single nucleotide variant.
Coding change: c.668-6C>T on transcript NM_005359.6 (MANE Select); 6 bases into the intron before coding-DNA position 668, C replaced by T.
Molecular consequence: intron variant.
Genome position (GRCh38, 1-based): chr18:51,058,119, C>T. VCF-style: chr18-51058119-C-T. GRCh37 (hg19) VCF-style: chr18-48584489-C-T.
Identifiers: ClinVar variation 918783 (VCV000918783.12), dbSNP rs748992694, ClinGen allele CA8965884.